The following is an entry in ClinVar:

NM_000352.4(ABCC8):c.-215G>C

Gene: ABCC8 (ATP binding cassette subfamily C member 8; minus strand). Cytogenetic location: 11p15.1.
Variant type: single nucleotide variant.
Coding change: c.-215G>C on transcript NM_000352.4; 215 bases upstream of the start codon, G replaced by C.
Genome position (GRCh38, 1-based): chr11:17,476,991, C>G on the plus strand (G>C on the coding strand, the complement: ABCC8 is on the minus strand). VCF-style: chr11-17476991-C-G. GRCh37 (hg19) VCF-style: chr11-17498538-C-G.
Identifiers: ClinVar variation 434039 (VCV000434039.9), dbSNP rs546148657, ClinGen allele CA218464377.

ClinVar aggregate classification (germline): Uncertain significance. Review status: criteria provided, multiple submitters, no conflicts (2 of 4 stars). 3 submissions from 2 submitters: Uncertain significance (3). Last evaluated 2016-04-14.

Conditions:
Maturity-onset diabetes of the young (MODY). Also called: Maturity onset diabetes mellitus in young. Identifiers: Orphanet 552, MedGen C0342276, MONDO:0018911, HP:0004904.
Transitory neonatal diabetes mellitus. Also called: Transient neonatal diabetes mellitus. Identifiers: MedGen C0342273, MONDO:0020525, HP:0008255.

Allele frequency attached by ClinVar (database versions not stated): gnomAD 0.00116 and 0.00119; TOPMed 0.00122; gnomAD exomes 0.00180; 1000 Genomes Project 0.00040.

Submissions (3):

Genetic Services Laboratory, University of Chicago
Classification: Uncertain significance. Last evaluated: 2016-04-14. Review status: criteria provided, single submitter. Criteria: ACMG Guidelines, 2015. Collection method: clinical testing. Allele origin: germline. Affected: no.

Clinical Genomics, Uppaluri K&H Personalized Medicine Clinic
Classification: Uncertain significance for Transitory neonatal diabetes mellitus. Review status: criteria provided, single submitter. Criteria: K & H Uppaluri Personalized Medicine Clinic Variant Classification & Assertion Criteria_Updated V.1. Collection method: research. Allele origin: unknown.
Comment: Mutations in ABCC8 gene are associated with both neonatal diabetes mellitus as well as MODY. Patients with this mutation may have a better response to sulfonylureas. However, no sufficient evidence is found to ascertain the role of this particular variant ( rs546148657) in neonatal diabetes yet.

Clinical Genomics, Uppaluri K&H Personalized Medicine Clinic
Classification: Uncertain significance for Maturity-onset diabetes of the young. Review status: criteria provided, single submitter. Criteria: K & H Uppaluri Personalized Medicine Clinic Variant Classification & Assertion Criteria_Updated V.1. Collection method: research. Allele origin: unknown. Inheritance: Somatic mutation.
Comment: Mutations in ABCC8 gene are associated with both neonatal diabetes mellitus as well as MODY. Patients with this mutation may have a better response to sulfonylureas. However, no sufficient evidence is found to ascertain the role of this particular variant ( rs546148657) in MODY yet.

Literature cited by the submitters: PubMed 16885549 (cited by Clinical Genomics, Uppaluri K&H Personalized Medicine Clinic); PubMed 21989597 (cited by Clinical Genomics, Uppaluri K&H Personalized Medicine Clinic); PubMed 27538677 (cited by Clinical Genomics, Uppaluri K&H Personalized Medicine Clinic); PubMed 18981553 (cited by Clinical Genomics, Uppaluri K&H Personalized Medicine Clinic); PubMed 32027066 (cited by Clinical Genomics, Uppaluri K&H Personalized Medicine Clinic); PubMed 16613899 (cited by Clinical Genomics, Uppaluri K&H Personalized Medicine Clinic); PubMed 18025408 (cited by Clinical Genomics, Uppaluri K&H Personalized Medicine Clinic); PubMed 32792356 (cited by Clinical Genomics, Uppaluri K&H Personalized Medicine Clinic).